The following is an entry in ClinVar:

NM_001376.5(DYNC1H1):c.12214G>A (p.Gly4072Ser)

Gene: DYNC1H1 (dynein cytoplasmic 1 heavy chain 1; plus strand). Cytogenetic location: 14q32.31.
Variant type: single nucleotide variant.
Coding change: c.12214G>A on transcript NM_001376.5 (MANE Select); coding-DNA position 12214, G replaced by A.
Protein change: p.Gly4072Ser; replaces glycine 4072 with serine.
Molecular consequence: missense variant.
Genome position (GRCh38, 1-based): chr14:102,042,124, G>A. VCF-style: chr14-102042124-G-A. GRCh37 (hg19) VCF-style: chr14-102508461-G-A.
Other names: NC_000014.8:g.102508461G>A; short protein forms G4072S.
Identifiers: ClinVar variation 1801985 (VCV001801985.2), dbSNP rs2152596521, ClinGen allele CA391038918.

ClinVar aggregate classification (germline): Likely pathogenic (1 of 4 stars; one submission).

Submissions (2):

GeneDx
Classification: Likely pathogenic. Last evaluated: 2022-12-04. Review status: criteria provided, single submitter. Criteria: GeneDx Variant Classification Process June 2021. Collection method: clinical testing. Allele origin: germline. Affected: yes.
Comment: Not observed in large population cohorts (gnomAD); In silico analysis supports that this missense variant has a deleterious effect on protein structure/function; This variant is associated with the following publications: (PMID: 28191890, 25512093, 25609763, 26100331, 34092403, 28714951, 25363768, 31981491)

Dr. Peter K. Rogan Lab, Western University
No classification provided (evidence only). Condition: Gastric cancer. Review status: no classification provided. Collection method: in vitro. Allele origin: not applicable. Functional consequence: retained intron. Not counted in ClinVar's aggregate classification.